The following is an entry in ClinVar:

NM_004958.4(MTOR):c.3001A>G (p.Ile1001Val)

Gene: MTOR (mechanistic target of rapamycin kinase; minus strand). Cytogenetic location: 1p36.22.
Variant type: single nucleotide variant.
Coding change: c.3001A>G on transcript NM_004958.4 (MANE Select); coding-DNA position 3001, A replaced by G.
Protein change: p.Ile1001Val; replaces isoleucine 1001 with valine.
Molecular consequence: missense variant.
Genome position (GRCh38, 1-based): chr1:11,228,697, T>C on the plus strand (A>G on the coding strand, the complement: MTOR is on the minus strand). VCF-style: chr1-11228697-T-C. GRCh37 (hg19) VCF-style: chr1-11288754-T-C.
Other names: c.3001A>G (NM_004958.3); short protein forms I1001V.
Identifiers: ClinVar variation 1009960 (VCV001009960.10), dbSNP rs1646925724, ClinGen allele CA338378699.

ClinVar aggregate classification (germline): Uncertain significance. Review status: criteria provided, multiple submitters, no conflicts (2 of 4 stars). 2 submissions from 2 submitters: Uncertain significance (2). Last evaluated 2025-05-26.

Conditions:
Inborn genetic diseases. Identifiers: MedGen C0950123, MeSH D030342.

Submissions (2):

Ambry Genetics
Classification: Uncertain significance for Inborn genetic diseases. Last evaluated: 2025-05-26. Review status: criteria provided, single submitter. Criteria: Ambry Variant Classification Scheme 2023. Collection method: clinical testing. Allele origin: germline.

Labcorp Genetics (formerly Invitae), Labcorp
Classification: Uncertain significance. Last evaluated: 2020-02-11. Review status: criteria provided, single submitter. Criteria: Invitae Variant Classification Sherloc (09022015). Collection method: clinical testing. Allele origin: germline.
Comment: This sequence change replaces isoleucine with valine at codon 1001 of the MTOR protein (p.Ile1001Val). The isoleucine residue is highly conserved and there is a small physicochemical difference between isoleucine and valine. This variant is not present in population databases (ExAC no frequency). This variant has not been reported in the literature in individuals with MTOR-related conditions. Algorithms developed to predict the effect of missense changes on protein structure and function (SIFT, PolyPhen-2, Align-GVGD) all suggest that this variant is likely to be tolerated, but these predictions have not been confirmed by published functional studies and their clinical significance is uncertain. In summary, the available evidence is currently insufficient to determine the role of this variant in disease. Therefore, it has been classified as a Variant of Uncertain Significance.